The following continues an entry in ClinVar:

NM_000548.5(TSC2):c.1864C>T (p.Arg622Trp)

Gene: TSC2. ClinVar aggregate classification (germline): Pathogenic/Likely pathogenic. Pathogenic (7); Likely pathogenic (7).

Submissions 6 to 16 of 16:

Ambry Genetics
Classification: Pathogenic for Hereditary cancer-predisposing syndrome. Last evaluated: 2024-07-04. Review status: criteria provided, single submitter. Criteria: Ambry Variant Classification Scheme 2023. Collection method: clinical testing. Allele origin: germline.
Comment: The p.R622W pathogenic mutation (also known as c.1864C>T), located in coding exon 17 of the TSC2 gene, results from a C to T substitution at nucleotide position 1864. The arginine at codon 622 is replaced by tryptophan, an amino acid with dissimilar properties. This alteration has been identified in many individuals with clinical features suggestive of tuberous sclerosis including cardiac rhabdomyomas, renal angiomyolipomas, cortical tubers and cortical dysplasia (Farach LS et al. Am. J. Med. Genet. A, 2017 Mar;173:771-775; van Eeghen AM et al. Epilepsy Res., 2013 Jan;103:83-7). Evaluation of these families shows that the variant segregates with these disease features in multiple relatives; however, some carriers are unaffected or have subclinical manifestations of tuberous sclerosis, indicating it carries incomplete penetrance or a milder phenotype than classic TSC1/2 pathogenic mutations (Farach LS et al. Am. J. Med. Genet. A, 2017 Mar;173:771-775; Ambry internal data). Multiple functional studies have shown that this variant has defective TSC1 binding and stabilization as well as increased phosphorylation of S6K at residue T389 (Qin W et al. Brain Pathol., 2010 Nov;20:1096-105; Hoogeveen-Westerveld M et al. Hum. Mutat., 2011 Apr;32:424-35). This amino acid position is highly conserved in available vertebrate species. In addition, this alteration is predicted to be deleterious by in silico analysis. Based on the available evidence, this alteration is classified as a pathogenic mutation associated with reduced penetrance compared to other TSC2 mutations.

Myriad Genetics, Inc.
Classification: Likely pathogenic for Tuberous sclerosis 2. Last evaluated: 2024-03-13. Review status: criteria provided, single submitter. Criteria: Myriad Autosomal Dominant, Autosomal Recessive and X-Linked Classification Criteria (2023). Collection method: clinical testing. Allele origin: unknown.
Comment: This variant is considered likely pathogenic. This variant has been reported in multiple individuals with clinical features of gene-specific disease [PMID: 28211972, 29101226, 29933521, 36232477, 31005478]. Functional studies indicate this variant impacts protein function [PMID: 21309039, 20633017].

PreventionGenetics, part of Exact Sciences
Classification: Likely pathogenic for TSC2-related condition. Last evaluated: 2022-08-31. Review status: criteria provided, single submitter. Criteria: ACMG Guidelines, 2015. Collection method: clinical testing. Allele origin: germline.
Comment: The TSC2 c.1864C>T variant is predicted to result in the amino acid substitution p.Arg622Trp. This variant was reported in individuals and families with tuberous sclerosis complex, some of whom had mild or atypical presentations (Table S1, van Eeghen et al. 2012. PubMed ID: 22867869; Farach et al. 2017. PubMed ID: 28211972). In vitro experimental studies suggest that this variant impacts protein function (Figure 3, Table S2, Hoogeveen-Westerveld et al. 2011. PubMed ID: 21309039). This variant has not been reported in a large population database, indicating this variant is rare. It is interpreted as pathogenic and likely pathogenic in ClinVar. This variant is interpreted as likely pathogenic.

Genome-Nilou Lab
Classification: Likely pathogenic for Tuberous sclerosis 2. Last evaluated: 2021-11-07. Review status: criteria provided, single submitter. Criteria: ACMG Guidelines, 2015. Collection method: clinical testing. Allele origin: germline. Affected: no.

Revvity Omics, Revvity
Classification: Likely pathogenic for Tuberous sclerosis 2. Last evaluated: 2021-09-07. Review status: criteria provided, single submitter. Criteria: ACMG Guidelines, 2015. Collection method: clinical testing. Allele origin: germline.

Victorian Clinical Genetics Services, Murdoch Childrens Research Institute
Classification: Pathogenic for Tuberous sclerosis 2. Last evaluated: 2021-05-06. Review status: criteria provided, single submitter. Criteria: ACMG Guidelines, 2015. Collection method: clinical testing. Allele origin: germline. Inheritance: Autosomal dominant inheritance. Affected: yes.
Comment: Based on the classification scheme VCGS_Germline_v1.3.4, this variant is classified as Pathogenic. Following criteria are met: 0102 - Loss of function is a known mechanism of disease in this gene and is associated with tuberous sclerosis-2 (MIM#613254). (I) 0107 - This gene is associated with autosomal dominant disease. (I) 0115 - Variants in this gene are known to have variable expressivity. The p.(Arg622Trp) variant has been reported to result in a milder phenotype than other TSC2 variants (PMID: 28211972). (I) 0200 - Variant is predicted to result in a missense amino acid change from arginine to tryptophan. (I) 0251 - This variant is heterozygous. (I) 0301 - Variant is absent from gnomAD (both v2 and v3). (SP) 0309 - An alternative amino acid change at the same position has been observed in gnomAD (v2) (18 heterozygotes, 0 homozygotes). (I) 0501 - Missense variant consistently predicted to be damaging by multiple in silico tools or highly conserved with a major amino acid change. (SP) 0600 - Variant is located in the annotated tuberin domain (NCBI, PDB). (I) 0710 - Other missense variants comparable to the one identified in this case have inconclusive previous evidence for pathogenicity. Alternative changes at the same residue, to glutamine and proline, have previously been reported with conflicting classifications, included benign, VUS and pathogenic (ClinVar, PMID: 29476190). (I) 0801 - This variant has strong previous evidence of pathogenicity in unrelated individuals. The variant has previously been reported in a number of individuals with tuberous sclerosis-2 (MIM#613254), however the reported patients are considered to have a mild phenotype and do not always meet all the major criteria for diagnosis (ClinVar, HGMD, LOVD, PMIDs: 28211972, 31005478). (SP) 1002 - This variant has moderate functional evidence supporting abnormal protein function. Functional studies in transfected cells demonstrated a loss of function (PMID: 20633017). (SP) 1208 - Inheritance information for this variant is not currently available in this individual. (I) Legend: (SP) - Supporting pathogenic, (I) - Information, (SB) - Supporting benign

Division of Genomic Medicine, Department of Advanced Medicine, Medical Research Institute, Kanazawa Medical University
Classification: Likely pathogenic for Tuberous sclerosis 2. Last evaluated: 2020-07-10. Review status: criteria provided, single submitter. Criteria: ACMG Guidelines, 2015. Collection method: clinical testing. Allele origin: germline. Affected: yes. Observed: 1 variant allele.

Clinical Genetics Service, Universitary Hospital 12 de Octubre
Classification: Pathogenic for Tuberous sclerosis 2. Review status: criteria provided, single submitter. Criteria: ACMG Guidelines, 2015. Collection method: clinical testing. Allele origin: paternal. Affected: yes.

Juno Genomics, Hangzhou Juno Genomics, Inc
Classification: Pathogenic for Tuberous sclerosis 2. Review status: criteria provided, single submitter. Criteria: ACMG Guidelines, 2015. Collection method: clinical testing. Allele origin: germline.
Comment: Absent from controls (or at extremely low frequency if recessive) in Genome Aggregation Database.;Well-established in vitro or in vivo functional studies supportive of a damaging effect on the gene or gene product.;The prevalence of the variant in affected individuals is significantly increased compared to the prevalence in controls.;Patient's phenotype or family history is highly specific for a disease with a single genetic etiology.;Co-segregation with disease in multiple affected family members.

GeneReviews
No classification provided. Condition: Tuberous sclerosis 2. Review status: no classification provided. Collection method: literature only. Allele origin: germline. Not counted in ClinVar's aggregate classification.

Tuberous sclerosis database (TSC2)
No classification provided. Condition: TSC. Review status: no classification provided. Criteria: Tuberous Sclerosis Database Assertion Criteria 2015. Collection method: curation. Allele origin: germline. Affected: yes. Not counted in ClinVar's aggregate classification.

Literature cited by the submitters: PubMed 21520333 (cited by Labcorp Genetics (formerly Invitae), Labcorp); PubMed 21846442 (cited by Labcorp Genetics (formerly Invitae), Labcorp and 3billion); PubMed 22867869 (cited by Labcorp Genetics (formerly Invitae), Labcorp and Ambry Genetics); PubMed 28211972 (cited by 6 submitters); PubMed 20633017 (cited by 5 submitters); PubMed 21309039 (cited by 5 submitters); PubMed 29476190 (cited by Labcorp Genetics (formerly Invitae), Labcorp and Victorian Clinical Genetics Services, Murdoch Childrens Research Institute); PubMed 29101226 (cited by Myriad Genetics, Inc.); PubMed 29933521 (cited by Myriad Genetics, Inc.); PubMed 36232477 (cited by Myriad Genetics, Inc.); PubMed 31005478 (cited by Myriad Genetics, Inc. and Victorian Clinical Genetics Services, Murdoch Childrens Research Institute).